The following is an entry in ClinVar:

ClinVar aggregate classification (germline): Uncertain significance. Review status: criteria provided, multiple submitters, no conflicts (2 of 4 stars). 2 submissions from 2 submitters: Uncertain significance (2). Last evaluated 2023-05-07.

Conditions:
Ataxia-telangiectasia-like disorder (ATLD). Identifiers: MedGen C1858391, MONDO:0011457.
Hereditary cancer-predisposing syndrome. Also called: Hereditary neoplastic syndrome; Neoplastic Syndromes, Hereditary; Tumor predisposition; Hereditary Cancer Syndrome. Identifiers: Orphanet 140162, MedGen C0027672, MeSH D009386, MONDO:0015356.

Submissions (2):

Ambry Genetics
Classification: Uncertain significance for Hereditary cancer-predisposing syndrome. Last evaluated: 2023-05-07. Review status: criteria provided, single submitter. Criteria: Ambry Variant Classification Scheme 2023. Collection method: clinical testing. Allele origin: germline.
Comment: The p.N115S variant (also known as c.344A>G), located in coding exon 4 of the MRE11A gene, results from an A to G substitution at nucleotide position 344. The asparagine at codon 115 is replaced by serine, an amino acid with highly similar properties. This amino acid position is highly conserved in available vertebrate species. In addition, the in silico prediction for this alteration is inconclusive. Since supporting evidence is limited at this time, the clinical significance of this alteration remains unclear.

Labcorp Genetics (formerly Invitae), Labcorp
Classification: Uncertain significance for Ataxia-telangiectasia-like disorder. Last evaluated: 2021-11-07. Review status: criteria provided, single submitter. Criteria: Invitae Variant Classification Sherloc (09022015). Collection method: clinical testing. Allele origin: germline.
Comment: Algorithms developed to predict the effect of missense changes on protein structure and function (SIFT, PolyPhen-2, Align-GVGD) all suggest that this variant is likely to be disruptive. In summary, the available evidence is currently insufficient to determine the role of this variant in disease. Therefore, it has been classified as a Variant of Uncertain Significance. This variant has not been reported in the literature in individuals affected with MRE11-related conditions. This variant is not present in population databases (gnomAD no frequency). This sequence change replaces asparagine, which is neutral and polar, with serine, which is neutral and polar, at codon 115 of the MRE11 protein (p.Asn115Ser).

NM_005591.4(MRE11):c.344A>G (p.Asn115Ser)

Gene: MRE11 (MRE11 double strand break repair nuclease; minus strand). Cytogenetic location: 11q21.
Variant type: single nucleotide variant.
Coding change: c.344A>G on transcript NM_005591.4 (MANE Select); coding-DNA position 344, A replaced by G.
Protein change: p.Asn115Ser; replaces asparagine 115 with serine.
Molecular consequence: missense variant.
Genome position (GRCh38, 1-based): chr11:94,479,732, T>C on the plus strand (A>G on the coding strand, the complement: MRE11 is on the minus strand). VCF-style: chr11-94479732-T-C. GRCh37 (hg19) VCF-style: chr11-94212898-T-C.
Other names: c.344A>G, p.Asn115Ser (NM_001330347.2, NM_005590.4); short protein forms N115S.
Identifiers: ClinVar variation 1681631 (VCV001681631.8), dbSNP rs2135091423, ClinGen allele CA382378545.